The following is an entry in ClinVar:

ClinVar aggregate classification (germline): Uncertain significance (1 of 4 stars; one submission).

Allele frequency attached by ClinVar (database versions not stated): gnomAD exomes below 0.00001.
gnomAD v4.1: 2 of 1,613,222 alleles (0.00012%); highest among the groups gnomAD compares: Admixed American, 0.0033%; no homozygotes.

Submission:

Labcorp Genetics (formerly Invitae), Labcorp
Classification: Uncertain significance. Last evaluated: 2022-08-15. Review status: criteria provided, single submitter. Criteria: Invitae Variant Classification Sherloc (09022015). Collection method: clinical testing. Allele origin: germline.
Comment: This variant is present in population databases (no rsID available, gnomAD 0.003%). In summary, the available evidence is currently insufficient to determine the role of this variant in disease. Therefore, it has been classified as a Variant of Uncertain Significance. Algorithms developed to predict the effect of sequence changes on RNA splicing suggest that this variant may disrupt the consensus splice site. Advanced modeling of protein sequence and biophysical properties (such as structural, functional, and spatial information, amino acid conservation, physicochemical variation, residue mobility, and thermodynamic stability) performed at Invitae indicates that this missense variant is not expected to disrupt MAK protein function. ClinVar contains an entry for this variant (Variation ID: 1474085). This variant has not been reported in the literature in individuals affected with MAK-related conditions. This sequence change replaces phenylalanine, which is neutral and non-polar, with cysteine, which is neutral and slightly polar, at codon 121 of the MAK protein (p.Phe121Cys).

NM_001242957.3(MAK):c.362T>G (p.Phe121Cys)

Gene: MAK (male germ cell associated kinase; minus strand). Cytogenetic location: 6p24.2.
Variant type: single nucleotide variant.
Coding change: c.362T>G on transcript NM_001242957.3 (MANE Select); coding-DNA position 362, T replaced by G.
Protein change: p.Phe121Cys; replaces phenylalanine 121 with cysteine.
Molecular consequence: missense variant. On other transcripts: non-coding transcript variant (2).
Genome position (GRCh38, 1-based): chr6:10,808,939, A>C on the plus strand (T>G on the coding strand, the complement: MAK is on the minus strand). VCF-style: chr6-10808939-A-C. GRCh37 (hg19) VCF-style: chr6-10809172-A-C.
Other names: c.362T>G, p.Phe121Cys (NM_001242385.2, NM_005906.6); c.260T>G, p.Phe87Cys (NM_001377262.1); short protein forms F121C, F87C.
Identifiers: ClinVar variation 1474085 (VCV001474085.5), dbSNP rs1404663511, ClinGen allele CA362721017.